The following is an entry in ClinVar:

NM_001365276.2(TNXB):c.6477C>G (p.Tyr2159Ter)

Gene: TNXB (tenascin XB; minus strand). Cytogenetic location: 6p21.33.
Variant type: single nucleotide variant.
Coding change: c.6477C>G on transcript NM_001365276.2 (MANE Select); coding-DNA position 6477, C replaced by G.
Protein change: p.Tyr2159Ter; replaces tyrosine 2159 with a stop codon.
Molecular consequence: nonsense.
Genome position (GRCh38, 1-based): chr6:32,067,728, G>C on the plus strand (C>G on the coding strand, the complement: TNXB is on the minus strand). VCF-style: chr6-32067728-G-C. GRCh37 (hg19) VCF-style: chr6-32035505-G-C.
Other names: c.6477C>G, p.Tyr2159Ter (NM_019105.8); c.7218C>G, p.Tyr2406Ter (NM_001428335.1); short protein forms Y2406*, Y2159*.
Identifiers: ClinVar variation 4974345 (VCV004974345.2).

ClinVar aggregate classification (germline): Pathogenic/Likely pathogenic. Review status: criteria provided, multiple submitters, no conflicts (2 of 4 stars). 2 submissions from 2 submitters: Pathogenic (1); Likely pathogenic (1). Last evaluated 2025-06-04.

Conditions:
Ehlers-Danlos syndrome due to tenascin-X deficiency (EDSCLL1). Also called: EDS DUE TO TNX DEFICIENCY; TNX DEFICIENCY; EHLERS-DANLOS SYNDROME, CLASSIC-LIKE; Ehlers-Danlos syndrome, classic-like, 1; TNXB-Related Classical-Like Ehlers-Danlos Syndrome. Identifiers: Orphanet 230839, MedGen C1848029, MONDO:0011670, OMIM 606408.
TNXB-related disorder. Also called: TNXB-related condition.

Submissions (2):

Myriad Genetics, Inc.
Classification: Pathogenic for Ehlers-Danlos syndrome due to tenascin-X deficiency. Last evaluated: 2025-06-04. Review status: criteria provided, single submitter. Criteria: Myriad Autosomal Dominant, Autosomal Recessive and X-Linked Classification Criteria (2023). Collection method: clinical testing. Allele origin: unknown.
Comment: NM_019105.6(TNXB):c.6477C>G(Y2159*) is expected to be pathogenic in the context of classical-like Ehlers-Danlos syndrome, TNXB-related. This variant is predicted to lead to an abnormal or absent protein product due to the creation of a premature termination codon in TNXB, a gene where loss-of-function variants are known to be pathogenic. Please note: this variant was assessed in the context of healthy population screening.

Blueprint Genetics
Classification: Likely pathogenic for TNXB-related disorders. Last evaluated: 2019-09-14. Review status: criteria provided, single submitter. Criteria: ACMG Guidelines, 2015. Collection method: clinical testing. Allele origin: germline. Affected: yes. Observed: 1 variant allele.